The following is an entry in ClinVar:

ClinVar aggregate classification (germline): Uncertain significance (1 of 4 stars; one submission).

Conditions:
Encephalopathy, acute, infection-induced (herpes-specific), susceptibility to, 1. Also called: Herpes simplex encephalitis, susceptibility to, 1. Identifiers: Orphanet 1930, MedGen C2750180, MONDO:0024563, OMIM 610551.

Allele frequency attached by ClinVar (database versions not stated): gnomAD exomes below 0.00001.
gnomAD v4.1: 1 of 1,612,816 alleles (0.000062%); highest among the groups gnomAD compares: Non-Finnish European, 0.000085%; no homozygotes.

Submission:

Labcorp Genetics (formerly Invitae), Labcorp
Classification: Uncertain significance for Encephalopathy, acute, infection-induced (herpes-specific), susceptibility to, 1. Last evaluated: 2024-11-11. Review status: criteria provided, single submitter. Criteria: Invitae Variant Classification Sherloc (09022015). Collection method: clinical testing. Allele origin: germline.
Comment: This sequence change replaces glycine, which is neutral and non-polar, with aspartic acid, which is acidic and polar, at codon 225 of the TLR3 protein (p.Gly225Asp). This variant is not present in population databases (gnomAD no frequency). This variant has not been reported in the literature in individuals affected with TLR3-related conditions. ClinVar contains an entry for this variant (Variation ID: 2836362). An algorithm developed to predict the effect of missense changes on protein structure and function (PolyPhen-2) suggests that this variant is likely to be tolerated. In summary, the available evidence is currently insufficient to determine the role of this variant in disease. Therefore, it has been classified as a Variant of Uncertain Significance.

NM_003265.3(TLR3):c.674G>A (p.Gly225Asp)

Gene: TLR3 (toll like receptor 3; plus strand). Cytogenetic location: 4q35.1.
Variant type: single nucleotide variant.
Coding change: c.674G>A on transcript NM_003265.3 (MANE Select); coding-DNA position 674, G replaced by A.
Protein change: p.Gly225Asp; replaces glycine 225 with aspartic acid.
Molecular consequence: missense variant.
Genome position (GRCh38, 1-based): chr4:186,082,360, G>A. VCF-style: chr4-186082360-G-A. GRCh37 (hg19) VCF-style: chr4-187003514-G-A.
Other names: short protein forms G225D.
Identifiers: ClinVar variation 2836362 (VCV002836362.3), dbSNP rs1225495454, ClinGen allele CA358928400.